The following is an entry in ClinVar:

NM_001127671.2(LIFR):c.325G>T (p.Glu109Ter)

Gene: LIFR (LIF receptor subunit alpha; minus strand). Cytogenetic location: 5p13.1.
Variant type: single nucleotide variant.
Coding change: c.325G>T on transcript NM_001127671.2 (MANE Select); coding-DNA position 325, G replaced by T.
Protein change: p.Glu109Ter; replaces glutamic acid 109 with a stop codon.
Molecular consequence: nonsense.
Genome position (GRCh38, 1-based): chr5:38,527,227, C>A on the plus strand (G>T on the coding strand, the complement: LIFR is on the minus strand). VCF-style: chr5-38527227-C-A. GRCh37 (hg19) VCF-style: chr5-38527329-C-A.
Other names: c.325G>T, p.Glu109Ter (NM_001364297.2, NM_001364298.2, NM_002310.6); short protein forms E109*.
Identifiers: ClinVar variation 1372780 (VCV001372780.7), dbSNP rs1746736672, ClinGen allele CA359615709.

ClinVar aggregate classification (germline): Pathogenic. Review status: criteria provided, multiple submitters, no conflicts (2 of 4 stars). 2 submissions from 2 submitters: Pathogenic (2). Last evaluated 2021-12-02.

Conditions:
Stüve-Wiedemann syndrome 1. Also called: STUVE-WIEDEMANN/SCHWARTZ-JAMPEL TYPE 2 SYNDROME. Identifiers: Orphanet 3206, MedGen C5676888, MONDO:0800043, OMIM 601559.

Allele frequency attached by ClinVar (database versions not stated): gnomAD exomes below 0.00001; gnomAD 0.00001.
gnomAD v4.1: 3 of 1,593,648 alleles (0.00019%); highest among the groups gnomAD compares: Admixed American, 0.0033%; no homozygotes.

Submissions (2):

Fulgent Genetics
Classification: Pathogenic for Stüve-Wiedemann syndrome 1. Last evaluated: 2021-12-02. Review status: criteria provided, single submitter. Criteria: ACMG Guidelines, 2015. Collection method: clinical testing. Allele origin: unknown.

Labcorp Genetics (formerly Invitae), Labcorp
Classification: Pathogenic. Last evaluated: 2021-08-26. Review status: criteria provided, single submitter. Criteria: Invitae Variant Classification Sherloc (09022015). Collection method: clinical testing. Allele origin: germline.
Comment: This sequence change creates a premature translational stop signal (p.Glu109*) in the LIFR gene. It is expected to result in an absent or disrupted protein product. Loss-of-function variants in LIFR are known to be pathogenic (PMID: 14740318). This variant is not present in population databases (ExAC no frequency). This variant has not been reported in the literature in individuals affected with LIFR-related conditions. For these reasons, this variant has been classified as Pathogenic.

Literature cited by the submitters: PubMed 14740318 (cited by Labcorp Genetics (formerly Invitae), Labcorp).